The following is an entry in ClinVar:

ClinVar aggregate classification (germline): Conflicting classifications of pathogenicity. Review status: criteria provided, conflicting classifications (1 of 4 stars). 3 submissions from 3 submitters: Uncertain significance (2); Benign (1). Last evaluated 2025-10-14.

Conditions:
Cardiovascular phenotype. Identifiers: MedGen CN230736.

Allele frequency attached by ClinVar (database versions not stated): 1000 Genomes Project 30x 0.00047; ExAC 0.00006; gnomAD 0.00019; TOPMed 0.00021; 1000 Genomes Project 0.00040.
gnomAD v4.1: 42 of 1,612,592 alleles (0.0026%); highest among the groups gnomAD compares: African/African-American, 0.056%; no homozygotes.

Submissions (3):

Ambry Genetics
Classification: Benign for Cardiovascular phenotype. Last evaluated: 2025-10-14. Review status: criteria provided, single submitter. Criteria: Ambry Variant Classification Scheme 2023. Collection method: clinical testing. Allele origin: germline.

Women's Health and Genetics/Laboratory Corporation of America, LabCorp
Classification: Uncertain significance. Last evaluated: 2025-09-25. Review status: criteria provided, single submitter. Criteria: LabCorp Variant Classification Summary - May 2015. Collection method: clinical testing. Allele origin: germline.
Comment: Variant summary: TNXB c.7718G>A (p.Ser2573Asn) results in a conservative amino acid change in the encoded protein sequence. Algorithms developed to predict the effect of missense changes on protein structure and function all suggest that this variant is likely to be tolerated. The variant allele was found at a frequency of 4.4e-05 in 247898 control chromosomes. This frequency is not significantly higher than estimated for disease-causing variants in TNXB, allowing no conclusion about variant significance. To our knowledge, no occurrence of c.7718G>A in individuals affected with TNXB-related conditions and no experimental evidence demonstrating its impact on protein function have been reported. ClinVar contains an entry for this variant (Variation ID: 1760285). Based on the evidence outlined above, the variant was classified as uncertain significance.

GeneDx
Classification: Uncertain significance. Last evaluated: 2022-06-14. Review status: criteria provided, single submitter. Criteria: GeneDx Variant Classification Process June 2021. Collection method: clinical testing. Allele origin: germline. Affected: yes.
Comment: Has not been previously published as pathogenic or benign to our knowledge; In silico analysis supports that this missense variant does not alter protein structure/function

NM_001365276.2(TNXB):c.7718G>A (p.Ser2573Asn)

Gene: TNXB (tenascin XB; minus strand). Cytogenetic location: 6p21.33.
Variant type: single nucleotide variant.
Coding change: c.7718G>A on transcript NM_001365276.2 (MANE Select); coding-DNA position 7718, G replaced by A.
Protein change: p.Ser2573Asn; replaces serine 2573 with asparagine.
Molecular consequence: missense variant.
Genome position (GRCh38, 1-based): chr6:32,058,165, C>T on the plus strand (G>A on the coding strand, the complement: TNXB is on the minus strand). VCF-style: chr6-32058165-C-T. GRCh37 (hg19) VCF-style: chr6-32025942-C-T.
Other names: c.7718G>A, p.Ser2573Asn (NM_019105.8); short protein forms S2573N.
Identifiers: ClinVar variation 1760285 (VCV001760285.6), dbSNP rs530097220, ClinGen allele CA3734078.